The following is an entry in ClinVar:

ClinVar aggregate classification (germline): Uncertain significance (1 of 4 stars; one submission).

Submission:

Labcorp Genetics (formerly Invitae), Labcorp
Classification: Uncertain significance. Last evaluated: 2023-11-07. Review status: criteria provided, single submitter. Criteria: Invitae Variant Classification Sherloc (09022015). Collection method: clinical testing. Allele origin: germline.
Comment: A copy number gain of the genomic region encompassing the full coding sequence of the SLC16A1 gene has been identified. The boundaries of this event are unknown as they extend beyond the assayed region for this gene and therefore may encompass additional genes. As the precise location of this event is unknown, it may be in tandem or it may be located elsewhere in the genome. This variant has not been reported in the literature in individuals affected with SLC16A1-related conditions. In summary, the available evidence is currently insufficient to determine the role of this variant in disease. Therefore, it has been classified as a Variant of Uncertain Significance.

NC_000001.10:g.(?_113456513)_(113471930_?)dup

Gene: SLC16A1 (solute carrier family 16 member 1; minus strand). Cytogenetic location: 1p13.2.
Variant type: Duplication.
Identifiers: ClinVar variation 1410740 (VCV001410740.5).